The following is an entry in ClinVar:

ClinVar aggregate classification (germline): Conflicting classifications of pathogenicity. Review status: criteria provided, conflicting classifications (1 of 4 stars). 3 submissions from 3 submitters: Uncertain significance (2); Likely benign (1). Last evaluated 2026-02-02.

Conditions:
Inborn genetic diseases. Identifiers: MedGen C0950123, MeSH D030342.
Facioscapulohumeral muscular dystrophy 4, digenic. Identifiers: MedGen C5561960, MONDO:0030355, OMIM 619478.
Immunodeficiency-centromeric instability-facial anomalies syndrome 1 (ICF1). Identifiers: Orphanet 2268, MedGen C4551557, MONDO:0009454, OMIM 242860.
Centromeric instability of chromosomes 1,9 and 16 and immunodeficiency (ICF1). Also called: CENTROMERIC INSTABILITY, IMMUNODEFICIENCY SYNDROME; Immunodeficiency-centromeric instability-facial anomalies; IMMUNE DEFICIENCY, VARIABLE, WITH CENTROMERIC INSTABILITY OF CHROMOSOMES 1, 9, AND 16; IMMUNODEFICIENCY SYNDROME, VARIABLE. Identifiers: Orphanet 2268, MedGen C0398788, MONDO:0000133.

Allele frequency attached by ClinVar (database versions not stated): gnomAD 0.00003 and 0.00001; TOPMed 0.00003; gnomAD exomes 0.00006 and 0.00010; ExAC 0.00008; 1000 Genomes Project 30x 0.00016; 1000 Genomes Project 0.00020.

Submissions (3):

Labcorp Genetics (formerly Invitae), Labcorp
Classification: Likely benign for Centromeric instability of chromosomes 1,9 and 16 and immunodeficiency. Last evaluated: 2026-02-02. Review status: criteria provided, single submitter. Criteria: Invitae Variant Classification Sherloc (09022015). Collection method: clinical testing. Allele origin: germline.

Ambry Genetics
Classification: Uncertain significance for Inborn genetic diseases. Last evaluated: 2024-04-19. Review status: criteria provided, single submitter. Criteria: Ambry Variant Classification Scheme 2023. Collection method: clinical testing. Allele origin: germline.

Juno Genomics, Hangzhou Juno Genomics, Inc
Classification: Uncertain significance for Facioscapulohumeral muscular dystrophy 4, digenic; Immunodeficiency-centromeric instability-facial anomalies syndrome 1. Review status: criteria provided, single submitter. Criteria: ACMG Guidelines, 2015. Collection method: clinical testing. Allele origin: germline.
Comment: Absent from controls (or at extremely low frequency if recessive) in Genome Aggregation Database.;Missense variant in a gene that has a low rate of benign missense variation.

NM_006892.4(DNMT3B):c.379C>T (p.Arg127Trp)

Gene: DNMT3B (DNA methyltransferase 3 beta; plus strand). Cytogenetic location: 20q11.21.
Variant type: single nucleotide variant.
Coding change: c.379C>T on transcript NM_006892.4 (MANE Select); coding-DNA position 379, C replaced by T.
Protein change: p.Arg127Trp; replaces arginine 127 with tryptophan.
Molecular consequence: missense variant. On other transcripts: intron variant (2).
Genome position (GRCh38, 1-based): chr20:32,786,574, C>T. VCF-style: chr20-32786574-C-T. GRCh37 (hg19) VCF-style: chr20-31374380-C-T.
Other names: c.379C>T, p.Arg127Trp (NM_175848.2, NM_175849.2); c.415C>T, p.Arg139Trp (NM_175850.3); c.307-656C>T (NM_001207055.2); c.205-656C>T (NM_001207056.2); c.379C>T (NM_006892.3); short protein forms R127W, R139W.
Identifiers: ClinVar variation 1001135 (VCV001001135.6), dbSNP rs538400808, ClinGen allele CA9810172.